The following is an entry in ClinVar:

NM_006231.4(POLE):c.4828C>T (p.Pro1610Ser)

Gene: POLE (DNA polymerase epsilon, catalytic subunit; minus strand). Cytogenetic location: 12q24.33.
Variant type: single nucleotide variant.
Coding change: c.4828C>T on transcript NM_006231.4 (MANE Select); coding-DNA position 4828, C replaced by T.
Protein change: p.Pro1610Ser; replaces proline 1610 with serine.
Molecular consequence: missense variant.
Genome position (GRCh38, 1-based): chr12:132,642,630, G>A on the plus strand (C>T on the coding strand, the complement: POLE is on the minus strand). VCF-style: chr12-132642630-G-A. GRCh37 (hg19) VCF-style: chr12-133219216-G-A.
Other names: short protein forms P1610S.
Identifiers: ClinVar variation 1392892 (VCV001392892.8), dbSNP rs746333644, ClinGen allele CA387378260.

ClinVar aggregate classification (germline): Uncertain significance (1 of 4 stars; one submission).

Submission:

Labcorp Genetics (formerly Invitae), Labcorp
Classification: Uncertain significance. Last evaluated: 2021-03-12. Review status: criteria provided, single submitter. Criteria: Invitae Variant Classification Sherloc (09022015). Collection method: clinical testing. Allele origin: germline.
Comment: This sequence change replaces proline with serine at codon 1610 of the POLE protein (p.Pro1610Ser). The proline residue is moderately conserved and there is a moderate physicochemical difference between proline and serine. This variant is not present in population databases (ExAC no frequency). This variant has not been reported in the literature in individuals with POLE-related conditions. Algorithms developed to predict the effect of missense changes on protein structure and function (SIFT, PolyPhen-2, Align-GVGD) all suggest that this variant is likely to be tolerated, but these predictions have not been confirmed by published functional studies and their clinical significance is uncertain. In summary, the available evidence is currently insufficient to determine the role of this variant in disease. Therefore, it has been classified as a Variant of Uncertain Significance.